The following is an entry in ClinVar:

NM_001014.5(RPS10):c.40C>T (p.Leu14Phe)

Genes: RPS10 (ribosomal protein S10; minus strand), RPS10-NUDT3 (RPS10-NUDT3 readthrough; minus strand). Cytogenetic location: 6p21.31.
Variant type: single nucleotide variant.
Coding change: c.40C>T on transcript NM_001014.5 (MANE Select); coding-DNA position 40, C replaced by T.
Protein change: p.Leu14Phe; replaces leucine 14 with phenylalanine.
Molecular consequence: missense variant.
Genome position (GRCh38, 1-based): chr6:34,425,182, G>A on the plus strand (C>T on the coding strand, the complement: RPS10 is on the minus strand). VCF-style: chr6-34425182-G-A. GRCh37 (hg19) VCF-style: chr6-34392959-G-A.
Other names: c.40C>T, p.Leu14Phe (NM_001202470.3, NM_001203245.3, NM_001204091.2); short protein forms L14F.
Identifiers: ClinVar variation 856444 (VCV000856444.15), dbSNP rs1426463647, ClinGen allele CA363885842.

ClinVar aggregate classification (germline): Uncertain significance. Review status: criteria provided, multiple submitters, no conflicts (2 of 4 stars). 4 submissions from 4 submitters: Uncertain significance (4). Last evaluated 2025-03-13.

Conditions:
Diamond-Blackfan anemia. Also called: Blackfan Diamond syndrome; Aregenerative anemia chronic congenital; Red cell aplasia, pure hereditary; Congenital hypoplastic anemia; Aase syndrome. Identifiers: Orphanet 124, MedGen C1260899, MeSH D029503, MONDO:0015253, HP:0004810.
Diamond-Blackfan anemia 9 (DBA9). Also called: RPS10-Related Diamond-Blackfan Anemia. Identifiers: Orphanet 124, MedGen C2750081, MONDO:0013216, OMIM 613308.

Allele frequency attached by ClinVar (database versions not stated): gnomAD 0.00001; gnomAD exomes 0.00001 and 0.00003; TOPMed 0.00002.
gnomAD v4.1: 42 of 1,613,462 alleles (0.0026%); highest among the groups gnomAD compares: Non-Finnish European, 0.0032%; no homozygotes.

Submissions (4):

GeneDx
Classification: Uncertain significance. Last evaluated: 2025-03-13. Review status: criteria provided, single submitter. Criteria: GeneDx Variant Classification Process June 2021. Collection method: clinical testing. Allele origin: germline. Affected: yes.
Comment: In silico analysis indicates that this missense variant does not alter protein structure/function; Has not been previously published as pathogenic or benign to our knowledge; This variant is associated with the following publications: (PMID: 39062596)

Ambry Genetics
Classification: Uncertain significance. Last evaluated: 2023-03-31. Review status: criteria provided, single submitter. Criteria: Ambry Variant Classification Scheme 2023. Collection method: clinical testing. Allele origin: germline.

Baylor Genetics
Classification: Uncertain significance for Diamond-Blackfan anemia 9. Last evaluated: 2019-03-21. Review status: criteria provided, single submitter. Criteria: ACMG Guidelines, 2015. Collection method: clinical testing. Allele origin: unknown. Affected: yes. Study: CSER-TexasKidsCanSeq.
Comment: This variant was determined to be of uncertain significance according to ACMG Guidelines, 2015 [PMID:25741868].

Labcorp Genetics (formerly Invitae), Labcorp
Classification: Uncertain significance for Diamond-Blackfan anemia. Last evaluated: 2019-03-12. Review status: criteria provided, single submitter. Criteria: Invitae Variant Classification Sherloc (09022015). Collection method: clinical testing. Allele origin: germline.
Comment: In summary, the available evidence is currently insufficient to determine the role of this variant in disease. Therefore, it has been classified as a Variant of Uncertain Significance. Algorithms developed to predict the effect of missense changes on protein structure and function (SIFT, PolyPhen-2, Align-GVGD) all suggest that this variant is likely to be tolerated, but these predictions have not been confirmed by published functional studies and their clinical significance is uncertain. This variant has not been reported in the literature in individuals with RPS10-related conditions. This variant is not present in population databases (ExAC no frequency). This sequence change replaces leucine with phenylalanine at codon 14 of the RPS10 protein (p.Leu14Phe). The leucine residue is moderately conserved and there is a small physicochemical difference between leucine and phenylalanine.